The following is an entry in ClinVar:

ClinVar aggregate classification (germline): Uncertain significance (1 of 4 stars; one submission).

gnomAD v4.1: 2 of 1,612,080 alleles (0.00012%); highest among the groups gnomAD compares: Non-Finnish European, 0.00017%; no homozygotes.

Submission:

GeneDx
Classification: Uncertain significance. Last evaluated: 2024-12-10. Review status: criteria provided, single submitter. Criteria: GeneDx Variant Classification Process June 2021. Collection method: clinical testing. Allele origin: germline. Affected: yes.
Comment: Not observed at significant frequency in large population cohorts (gnomAD); In silico analysis supports a deleterious effect on splicing; Has not been previously published as pathogenic or benign to our knowledge

NM_022841.7(RFX7):c.1107G>A (p.Pro369=)

Gene: RFX7 (regulatory factor X7; minus strand). Cytogenetic location: 15q21.3.
Variant type: single nucleotide variant.
Coding change: c.1107G>A on transcript NM_022841.7 (MANE Select); coding-DNA position 1107, G replaced by A.
Protein change: p.Pro369=; no amino-acid change (proline 369 retained).
Molecular consequence: synonymous variant.
Genome position (GRCh38, 1-based): chr15:56,098,081, C>T on the plus strand (G>A on the coding strand, the complement: RFX7 is on the minus strand). VCF-style: chr15-56098081-C-T. GRCh37 (hg19) VCF-style: chr15-56390279-C-T.
Other names: c.816G>A, p.Pro272= (NM_001368073.2, NM_001368074.1, NM_001370554.1); c.1107G>A, p.Pro369= (NM_001370561.1).
Identifiers: ClinVar variation 3902946 (VCV003902946.1).